The following is an entry in ClinVar:

NM_000742.4(CHRNA2):c.274A>G (p.Ile92Val)

Gene: CHRNA2 (cholinergic receptor nicotinic alpha 2 subunit; minus strand). Cytogenetic location: 8p21.2.
Variant type: single nucleotide variant.
Coding change: c.274A>G on transcript NM_000742.4 (MANE Select); coding-DNA position 274, A replaced by G.
Protein change: p.Ile92Val; replaces isoleucine 92 with valine.
Molecular consequence: missense variant. On other transcripts: 5 prime UTR variant (2), intron variant (3).
Genome position (GRCh38, 1-based): chr8:27,469,781, T>C on the plus strand (A>G on the coding strand, the complement: CHRNA2 is on the minus strand). VCF-style: chr8-27469781-T-C. GRCh37 (hg19) VCF-style: chr8-27327298-T-C.
Other names: c.-199A>G (NM_001347706.2); c.-188A>G (NM_001347708.2); c.-179+25A>G (NM_001347705.2); c.249+25A>G (NM_001282455.2); c.-165+25A>G (NM_001347707.2); short protein forms I92V.
Identifiers: ClinVar variation 4691505 (VCV004691505.1).
Genomic context (GRCh38, chr8:27,469,781, plus strand): 5'-GATCTCCTTCCTCGGGCCAGCGGTGGGAAGACAGGCGCACCACATCGATGAGCTGAGCGA[T>C]GGACAGTCCAAAGCGCACAATCACCACGTCTGAAGTGTTGGGCACCGGGCGCGCCCAGCG-3'
Protein context (NP_000733.2, residues 82-102): DVVIVRFGLS[Ile92Val]AQLIDVDEKN

ClinVar aggregate classification (germline): Uncertain significance (1 of 4 stars; one submission).

Conditions:
Familial sleep-related hypermotor epilepsy. Also called: Autosomal Dominant Sleep-Related Hypermotor (Hyperkinetic) Epilepsy. Identifiers: Orphanet 98784, MedGen C3696898, MONDO:0000030.

gnomAD v4.1: 2 of 1,614,122 alleles (0.00012%); highest among the groups gnomAD compares: Admixed American, 0.0017%; no homozygotes.

Submission:

Labcorp Genetics (formerly Invitae), Labcorp
Classification: Uncertain significance. Last evaluated: 2025-12-04. Review status: criteria provided, single submitter. Criteria: Invitae Variant Classification Sherloc (09022015). Collection method: clinical testing. Allele origin: germline.
Comment: This sequence change replaces isoleucine, which is neutral and non-polar, with valine, which is neutral and non-polar, at codon 92 of the CHRNA2 protein (p.Ile92Val). This variant is present in population databases (rs767229210, gnomAD 0.003%). This variant has not been reported in the literature in individuals affected with CHRNA2-related conditions. Invitae Evidence Modeling of protein sequence and biophysical properties (such as structural, functional, and spatial information, amino acid conservation, physicochemical variation, residue mobility, and thermodynamic stability) indicates that this missense variant is not expected to disrupt CHRNA2 protein function with a negative predictive value of 80%. In summary, the available evidence is currently insufficient to determine the role of this variant in disease. Therefore, it has been classified as a Variant of Uncertain Significance.